The following is an entry in ClinVar:

NM_000426.4(LAMA2):c.6782A>G (p.His2261Arg)

Gene: LAMA2 (laminin subunit alpha 2; plus strand). Cytogenetic location: 6q22.33.
Variant type: single nucleotide variant.
Coding change: c.6782A>G on transcript NM_000426.4 (MANE Select); coding-DNA position 6782, A replaced by G.
Protein change: p.His2261Arg; replaces histidine 2261 with arginine.
Molecular consequence: missense variant.
Genome position (GRCh38, 1-based): chr6:129,456,409, A>G. VCF-style: chr6-129456409-A-G. GRCh37 (hg19) VCF-style: chr6-129777554-A-G.
Other names: c.6782A>G (NM_000426.3); c.6782A>G, p.His2261Arg (NM_001079823.2); short protein forms H2261R.
Identifiers: ClinVar variation 1374086 (VCV001374086.5), dbSNP rs752512079, ClinGen allele CA3994361.

ClinVar aggregate classification (germline): Uncertain significance. Review status: criteria provided, multiple submitters, no conflicts (2 of 4 stars). 2 submissions from 2 submitters: Uncertain significance (2). Last evaluated 2025-07-30.

Conditions:
LAMA2-related muscular dystrophy (LAMA2-RD). Also called: Laminin alpha 2-related dystrophy. Identifiers: MedGen C5679788, MONDO:0100228.

Allele frequency attached by ClinVar (database versions not stated): gnomAD exomes below 0.00001; TOPMed below 0.00001; ExAC 0.00001; gnomAD 0.00001.
gnomAD v4.1: 3 of 1,613,310 alleles (0.00019%); highest among the groups gnomAD compares: Non-Finnish European, 0.00025%; no homozygotes.

Submissions (2):

GeneDx
Classification: Uncertain significance. Last evaluated: 2025-07-30. Review status: criteria provided, single submitter. Criteria: GeneDx Variant Classification Process June 2021. Collection method: clinical testing. Allele origin: germline. Affected: yes.
Comment: Not observed at significant frequency in large population cohorts (gnomAD); In silico analysis suggests that this missense variant does not alter protein structure/function; Has not been previously published as pathogenic or benign to our knowledge

Labcorp Genetics (formerly Invitae), Labcorp
Classification: Uncertain significance for LAMA2-related muscular dystrophy. Last evaluated: 2022-10-05. Review status: criteria provided, single submitter. Criteria: Invitae Variant Classification Sherloc (09022015). Collection method: clinical testing. Allele origin: germline.
Comment: This sequence change replaces histidine, which is basic and polar, with arginine, which is basic and polar, at codon 2261 of the LAMA2 protein (p.His2261Arg). In summary, the available evidence is currently insufficient to determine the role of this variant in disease. Therefore, it has been classified as a Variant of Uncertain Significance. Advanced modeling of protein sequence and biophysical properties (such as structural, functional, and spatial information, amino acid conservation, physicochemical variation, residue mobility, and thermodynamic stability) performed at Invitae indicates that this missense variant is not expected to disrupt LAMA2 protein function. ClinVar contains an entry for this variant (Variation ID: 1374086). This variant has not been reported in the literature in individuals affected with LAMA2-related conditions. This variant is present in population databases (rs752512079, gnomAD 0.0009%).